The following is an entry in ClinVar:

NM_145886.4(PIDD1):c.2307G>C (p.Gly769=)

Gene: PIDD1 (p53-induced death domain protein 1; minus strand). Cytogenetic location: 11p15.5.
Variant type: single nucleotide variant.
Coding change: c.2307G>C on transcript NM_145886.4 (MANE Select); coding-DNA position 2307, G replaced by C.
Protein change: p.Gly769=; no amino-acid change (glycine 769 retained).
Molecular consequence: synonymous variant.
Genome position (GRCh38, 1-based): chr11:799,982, C>G on the plus strand (G>C on the coding strand, the complement: PIDD1 is on the minus strand). VCF-style: chr11-799982-C-G. GRCh37 (hg19) VCF-style: chr11-799982-C-G.
Other names: c.2256G>C, p.Gly752= (NM_145887.4).
Identifiers: ClinVar variation 4533920 (VCV004533920.7).

ClinVar aggregate classification (germline): Likely benign. Review status: criteria provided, multiple submitters, no conflicts (2 of 4 stars). 2 submissions from 2 submitters: Likely benign (2). Last evaluated 2025-10-01.

gnomAD v4.1: 628 of 1,612,818 alleles (0.039%); highest among the groups gnomAD compares: Non-Finnish European, 0.048%; no homozygotes.

Submissions (2):

CeGaT Center for Human Genetics Tuebingen
Classification: Likely benign. Last evaluated: 2025-10-01. Review status: criteria provided, single submitter. Criteria: CeGaT Center For Human Genetics Tuebingen Variant Classification Criteria Version 2. Collection method: clinical testing. Allele origin: germline. Affected: yes. Observed: 1 variant allele.
Comment: PIDD1: BP4, BP7

Blueprint Genetics
Classification: Likely benign. Last evaluated: 2024-09-20. Review status: criteria provided, single submitter. Criteria: ACMG Guidelines, 2015. Collection method: clinical testing. Allele origin: germline.